The following is an entry in ClinVar:

ClinVar aggregate classification (germline): Uncertain significance (1 of 4 stars; one submission).

Conditions:
COL11A1-related disorder. Also called: COL11A1-related condition; COL11A1-related disorders.

gnomAD v4.1: 3 of 1,614,054 alleles (0.00019%); highest among the groups gnomAD compares: African/African-American, 0.0027%; no homozygotes.

Submission:

PreventionGenetics, part of Exact Sciences
Classification: Uncertain significance for COL11A1-related condition. Last evaluated: 2022-12-22. Review status: criteria provided, single submitter. Criteria: ACMG Guidelines, 2015. Collection method: clinical testing. Allele origin: germline.
Comment: The COL11A1 c.2677G>A variant is predicted to result in the amino acid substitution p.Ala893Thr. To our knowledge, this variant has not been reported in the literature or in a large population database, indicating this variant is rare. At this time, the clinical significance of this variant is uncertain due to the absence of conclusive functional and genetic evidence.

NM_001854.4(COL11A1):c.2677G>A (p.Ala893Thr)

Gene: COL11A1 (collagen type XI alpha 1 chain; minus strand). Cytogenetic location: 1p21.1.
Variant type: single nucleotide variant.
Coding change: c.2677G>A on transcript NM_001854.4 (MANE Select); coding-DNA position 2677, G replaced by A.
Protein change: p.Ala893Thr; replaces alanine 893 with threonine.
Molecular consequence: missense variant. On other transcripts: non-coding transcript variant (1).
Genome position (GRCh38, 1-based): chr1:102,978,892, C>T on the plus strand (G>A on the coding strand, the complement: COL11A1 is on the minus strand). VCF-style: chr1-102978892-C-T. GRCh37 (hg19) VCF-style: chr1-103444448-C-T.
Other names: c.2329G>A, p.Ala777Thr (NM_001168249.1, NM_080630.4); c.2560G>A, p.Ala854Thr (NM_001190709.2); c.2713G>A, p.Ala905Thr (NM_080629.3); short protein forms A777T, A854T, A893T, A905T.
Identifiers: ClinVar variation 2636763 (VCV002636763.1), dbSNP rs769596733, ClinGen allele CA341163332.